The following is an entry in ClinVar:

NM_001942.4(DSG1):c.3043A>T (p.Met1015Leu)

Genes: DSG1 (desmoglein 1; plus strand), DSG1-AS1 (DSG1 antisense RNA 1; minus strand). Cytogenetic location: 18q12.1.
Variant type: single nucleotide variant.
Coding change: c.3043A>T on transcript NM_001942.4 (MANE Select); coding-DNA position 3043, A replaced by T.
Protein change: p.Met1015Leu; replaces methionine 1015 with leucine.
Molecular consequence: missense variant.
Genome position (GRCh38, 1-based): chr18:31,355,239, A>T. VCF-style: chr18-31355239-A-T. GRCh37 (hg19) VCF-style: chr18-28935202-A-T.
Other names: short protein forms M1015L.
Identifiers: ClinVar variation 3687589 (VCV003687589.2).

ClinVar aggregate classification (germline): Uncertain significance (1 of 4 stars; one submission).

Submission:

Labcorp Genetics (formerly Invitae), Labcorp
Classification: Uncertain significance. Last evaluated: 2024-12-26. Review status: criteria provided, single submitter. Criteria: Invitae Variant Classification Sherloc (09022015). Collection method: clinical testing. Allele origin: germline.
Comment: This sequence change replaces methionine, which is neutral and non-polar, with leucine, which is neutral and non-polar, at codon 1015 of the DSG1 protein (p.Met1015Leu). This variant is present in population databases (rs142691859, gnomAD 0.01%). This variant has not been reported in the literature in individuals affected with DSG1-related conditions. An algorithm developed to predict the effect of missense changes on protein structure and function outputs the following: PolyPhen-2: "Benign". The leucine amino acid residue is found in multiple mammalian species, which suggests that this missense change does not adversely affect protein function. In summary, the available evidence is currently insufficient to determine the role of this variant in disease. Therefore, it has been classified as a Variant of Uncertain Significance.